The following is an entry in ClinVar:

ClinVar aggregate classification (germline): Uncertain significance. Review status: criteria provided, multiple submitters, no conflicts (2 of 4 stars). 2 submissions from 2 submitters: Uncertain significance (2). Last evaluated 2025-12-09.

Allele frequency attached by ClinVar (database versions not stated): ExAC 0.00002; gnomAD 0.00002; gnomAD exomes 0.00002; TOPMed 0.00002.
gnomAD v4.1: 27 of 1,611,730 alleles (0.0017%); highest among the groups gnomAD compares: Non-Finnish European, 0.0022%; no homozygotes.

Submissions (2):

Ambry Genetics
Classification: Uncertain significance. Last evaluated: 2025-12-09. Review status: criteria provided, single submitter. Criteria: Ambry Variant Classification Scheme 2023. Collection method: clinical testing. Allele origin: germline.

GeneDx
Classification: Uncertain significance. Last evaluated: 2019-09-06. Review status: criteria provided, single submitter. Criteria: GeneDx Variant Classification Process June 2021. Collection method: clinical testing. Allele origin: germline. Affected: yes.
Comment: Not observed at a significant frequency in large population cohorts (Lek et al., 2016); In silico analysis, which includes protein predictors and evolutionary conservation, supports that this variant does not alter protein structure/function; Has not been previously published as pathogenic or benign to our knowledge

NM_006267.5(RANBP2):c.649T>C (p.Ser217Pro)

Gene: RANBP2 (RAN binding protein 2; plus strand). Cytogenetic location: 2q13.
Variant type: single nucleotide variant.
Coding change: c.649T>C on transcript NM_006267.5 (MANE Select); coding-DNA position 649, T replaced by C.
Protein change: p.Ser217Pro; replaces serine 217 with proline.
Molecular consequence: missense variant.
Genome position (GRCh38, 1-based): chr2:108,736,116, T>C. VCF-style: chr2-108736116-T-C. GRCh37 (hg19) VCF-style: chr2-109352572-T-C.
Other names: short protein forms S217P.
Identifiers: ClinVar variation 1216558 (VCV001216558.6), dbSNP rs760640664, ClinGen allele CA1822095.